The following is an entry in ClinVar:

NM_001999.4(FBN2):c.5917+5G>A

Gene: FBN2 (fibrillin 2; minus strand). Cytogenetic location: 5q23.3.
Variant type: single nucleotide variant.
Coding change: c.5917+5G>A on transcript NM_001999.4 (MANE Select); 5 bases into the intron after coding-DNA position 5917, G replaced by A.
Molecular consequence: intron variant.
Genome position (GRCh38, 1-based): chr5:128,302,968, C>T on the plus strand (G>A on the coding strand, the complement: FBN2 is on the minus strand). VCF-style: chr5-128302968-C-T. GRCh37 (hg19) VCF-style: chr5-127638660-C-T.
Identifiers: ClinVar variation 580106 (VCV000580106.9), dbSNP rs1561758622, ClinGen allele CA891842681.

ClinVar aggregate classification (germline): Pathogenic (1 of 4 stars; one submission).

Conditions:
Congenital contractural arachnodactyly (CCA). Also called: BEALS SYNDROME; Beals-Hecht syndrome; Arthrogryposis, distal, type 9. Identifiers: Orphanet 115, MedGen C0220668, MONDO:0007363, OMIM 121050.

Submission:

Labcorp Genetics (formerly Invitae), Labcorp
Classification: Pathogenic for Congenital contractural arachnodactyly. Last evaluated: 2022-07-06. Review status: criteria provided, single submitter. Criteria: Invitae Variant Classification Sherloc (09022015). Collection method: clinical testing. Allele origin: germline.
Comment: For these reasons, this variant has been classified as Pathogenic. Variants that disrupt the consensus splice site are a relatively common cause of aberrant splicing (PMID: 17576681, 9536098). Algorithms developed to predict the effect of sequence changes on RNA splicing suggest that this variant is not likely to affect RNA splicing. ClinVar contains an entry for this variant (Variation ID: 580106). This variant has been observed in individual(s) with clinical features of FBN2-related conditions (Invitae). In at least one individual the variant was observed to be de novo. This variant is not present in population databases (gnomAD no frequency). This sequence change falls in intron 46 of the FBN2 gene. It does not directly change the encoded amino acid sequence of the FBN2 protein. It affects a nucleotide within the consensus splice site.

Literature cited by the submitters: PubMed 17576681; PubMed 9536098.